The following is an entry in ClinVar:

NM_001127222.2(CACNA1A):c.1418G>A (p.Arg473Lys)

Gene: CACNA1A (calcium voltage-gated channel subunit alpha1 A; minus strand). Cytogenetic location: 19p13.13.
Variant type: single nucleotide variant.
Coding change: c.1418G>A on transcript NM_001127222.2 (MANE Select); coding-DNA position 1418, G replaced by A.
Protein change: p.Arg473Lys; replaces arginine 473 with lysine.
Molecular consequence: missense variant.
Genome position (GRCh38, 1-based): chr19:13,317,249, C>T on the plus strand (G>A on the coding strand, the complement: CACNA1A is on the minus strand). VCF-style: chr19-13317249-C-T. GRCh37 (hg19) VCF-style: chr19-13428063-C-T.
Other names: c.1421G>A (NM_001127221.1); c.1421G>A, p.Arg474Lys (NM_000068.4, NM_001127221.2, NM_001174080.2 and 1 more transcripts); short protein forms R473K, R474K.
Identifiers: ClinVar variation 1365537 (VCV001365537.9), dbSNP rs1401413921, ClinGen allele CA404345856.

ClinVar aggregate classification (germline): Uncertain significance. Review status: criteria provided, multiple submitters, no conflicts (2 of 4 stars). 2 submissions from 2 submitters: Uncertain significance (2). Last evaluated 2024-07-17.

Conditions:
Episodic ataxia type 2 (EA2). Also called: ATAXIA, EPISODIC, WITH NYSTAGMUS; ATAXIA, FAMILIAL PAROXYSMAL; CEREBELLAR ATAXIA, PAROXYSMAL, ACETAZOLAMIDE-RESPONSIVE; CEREBELLOPATHY, HEREDITARY PAROXYSMAL; EPISODIC ATAXIA, NYSTAGMUS-ASSOCIATED; ACETAZOLAMIDE-RESPONSIVE HEREDITARY PAROXYSMAL CEREBELLAR ATAXIA. Identifiers: Orphanet 97, MedGen C1720416, MONDO:0007163, OMIM 108500.
Developmental and epileptic encephalopathy, 42 (DEE42A). Also called: DEVELOPMENTAL AND EPILEPTIC ENCEPHALOPATHY 42A; EPILEPTIC ENCEPHALOPATHY, EARLY INFANTILE, 42A; Epileptic encephalopathy, early infantile, 42. Identifiers: MedGen C4310716, MONDO:0014917, OMIM 617106.

Allele frequency attached by ClinVar (database versions not stated): TOPMed below 0.00001; gnomAD exomes 0.00001.
gnomAD v4.1: 7 of 1,613,342 alleles (0.00043%); highest among the groups gnomAD compares: Non-Finnish European, 0.00059%; no homozygotes.

Submissions (2):

Labcorp Genetics (formerly Invitae), Labcorp
Classification: Uncertain significance for Developmental and epileptic encephalopathy, 42; Episodic ataxia type 2. Last evaluated: 2024-07-17. Review status: criteria provided, single submitter. Criteria: Invitae Variant Classification Sherloc (09022015). Collection method: clinical testing. Allele origin: germline.
Comment: This sequence change replaces arginine, which is basic and polar, with lysine, which is basic and polar, at codon 474 of the CACNA1A protein (p.Arg474Lys). This variant is not present in population databases (gnomAD no frequency). This variant has not been reported in the literature in individuals affected with CACNA1A-related conditions. ClinVar contains an entry for this variant (Variation ID: 1365537). Advanced modeling of protein sequence and biophysical properties (such as structural, functional, and spatial information, amino acid conservation, physicochemical variation, residue mobility, and thermodynamic stability) performed at Invitae indicates that this missense variant is not expected to disrupt CACNA1A protein function with a negative predictive value of 95%. In summary, the available evidence is currently insufficient to determine the role of this variant in disease. Therefore, it has been classified as a Variant of Uncertain Significance.

GeneDx
Classification: Uncertain significance. Last evaluated: 2023-04-10. Review status: criteria provided, single submitter. Criteria: GeneDx Variant Classification Process June 2021. Collection method: clinical testing. Allele origin: germline. Affected: yes.
Comment: Not observed at significant frequency in large population cohorts (gnomAD); In silico analysis supports that this missense variant does not alter protein structure/function; Has not been previously published as pathogenic or benign to our knowledge